The following is an entry in ClinVar:

ClinVar aggregate classification (germline): Uncertain significance (1 of 4 stars; one submission).

Conditions:
Charcot-Marie-Tooth disease type 2. Also called: Charcot-Marie-Tooth type 2. Identifiers: Orphanet 64746, MedGen C0270914, MONDO:0018993.

Allele frequency attached by ClinVar (database versions not stated): gnomAD exomes below 0.00001.
gnomAD v4.1: 1 of 1,614,148 alleles (0.000062%); highest among the groups gnomAD compares: Non-Finnish European, 0.000085%; no homozygotes.

Submission:

Labcorp Genetics (formerly Invitae), Labcorp
Classification: Uncertain significance for Charcot-Marie-Tooth disease type 2. Last evaluated: 2021-09-10. Review status: criteria provided, single submitter. Criteria: Invitae Variant Classification Sherloc (09022015). Collection method: clinical testing. Allele origin: germline.
Comment: This sequence change replaces glycine with glutamic acid at codon 789 of the KIF1B protein (p.Gly789Glu). The glycine residue is highly conserved and there is a moderate physicochemical difference between glycine and glutamic acid. This variant is not present in population databases (ExAC no frequency). This variant has not been reported in the literature in individuals affected with KIF1B-related conditions. Algorithms developed to predict the effect of missense changes on protein structure and function are either unavailable or do not agree on the potential impact of this missense change (SIFT: "Deleterious"; PolyPhen-2: "Probably Damaging"; Align-GVGD: "Class C0"). In summary, the available evidence is currently insufficient to determine the role of this variant in disease. Therefore, it has been classified as a Variant of Uncertain Significance.

NM_001365951.3(KIF1B):c.2504G>A (p.Gly835Glu)

Gene: KIF1B (kinesin family member 1B; plus strand). Cytogenetic location: 1p36.22.
Variant type: single nucleotide variant.
Coding change: c.2504G>A on transcript NM_001365951.3 (MANE Select); coding-DNA position 2504, G replaced by A.
Protein change: p.Gly835Glu; replaces glycine 835 with glutamic acid.
Molecular consequence: missense variant.
Genome position (GRCh38, 1-based): chr1:10,324,029, G>A. VCF-style: chr1-10324029-G-A. GRCh37 (hg19) VCF-style: chr1-10384087-G-A.
Other names: c.2504G>A, p.Gly835Glu (NM_001365952.1); c.2366G>A, p.Gly789Glu (NM_015074.3); short protein forms G789E, G835E.
Identifiers: ClinVar variation 1469198 (VCV001469198.6), dbSNP rs2102299042, ClinGen allele CA338335048.